The following is an entry in ClinVar:

ClinVar aggregate classification (germline): Pathogenic (1 of 4 stars; one submission).

Conditions:
Long QT syndrome (LQTS). Identifiers: MedGen C0023976, MeSH D008133, MONDO:0002442. Disease mechanism: loss of function. Inheritance: Various modes of inheritance.

Submission:

Labcorp Genetics (formerly Invitae), Labcorp
Classification: Pathogenic for Long QT syndrome. Last evaluated: 2017-03-27. Review status: criteria provided, single submitter. Criteria: Invitae Variant Classification Sherloc (09022015). Collection method: clinical testing. Allele origin: germline.
Comment: For these reasons, this variant has been classified as Pathogenic. While this particular variant has not been reported in the literature, truncating variants in KCNH2 are known to be pathogenic (PMID: 19862833). This sequence change inserts 2 nucleotides in exon 9 of the KCNH2 mRNA (c.2364_2365dupGA), causing a frameshift at codon 789. This creates a premature translational stop signal (p.Ile789Argfs*22) and is expected to result in an absent or disrupted protein product.

Literature cited by the submitters: PubMed 19862833.

NM_000238.4(KCNH2):c.2364_2365dup (p.Ile789fs)

Gene: KCNH2 (potassium voltage-gated channel subfamily H member 2; minus strand). Cytogenetic location: 7q36.1.
Variant type: Microsatellite.
Coding change: c.2364_2365dup on transcript NM_000238.4 (MANE Select); coding-DNA positions 2364 to 2365, 2 bases duplicated (GA; older notation c.2364_2365dupGA).
Protein change: p.Ile789fs; shifts the reading frame from isoleucine 789.
Molecular consequence: frameshift variant.
Genome position (GRCh38, 1-based): chr7:150,950,201-150,950,202, TC duplicated on the plus strand (GA on the coding strand, the reverse complement: KCNH2 is on the minus strand); duplicating any 2 consecutive bases within chr7:150,950,201-150,950,204 gives the same sequence; the c. name uses the placement nearest the transcript's 3' end. VCF-style (leftmost placement, unchanged base first): chr7-150950200-A-ATC. GRCh37 (hg19) VCF-style: chr7-150647288-A-ATC.
Other names: c.2364_2365dupGA (NM_000238.3); c.1344_1345dup, p.Ile449fs (NM_001204798.2, NM_172057.3); c.2074_2075GA[3], p.Ile693Argfs (NM_001406753.1, NM_001406756.1); c.2185_2186GA[3], p.Ile730Argfs (NM_001406755.1); c.2062_2063GA[3], p.Ile689Argfs (NM_001406757.1); c.2362_2363GA[3], p.Ile789Argfs (NM_172056.3); short protein forms I449fs, I789fs.
Identifiers: ClinVar variation 405342 (VCV000405342.8), dbSNP rs1060500662, ClinGen allele CA16612191.